The following is an entry in ClinVar:

ClinVar aggregate classification (germline): Pathogenic (1 of 4 stars; one submission).

Conditions:
Maple syrup urine disease type 1B (MSUD1B). Also called: MSUD type IB; MSUD type 3 (formerly); MSUD due to deficiency of e1-beta subunit of branched-chain alpha-keto acid dehydrogenase complex. Identifiers: MedGen C2930990, MONDO:0023692, OMIM 620698.

Submission:

Myriad Genetics, Inc.
Classification: Pathogenic for Maple syrup urine disease type 1B. Last evaluated: 2024-03-30. Review status: criteria provided, single submitter. Criteria: Myriad Autosomal Dominant, Autosomal Recessive and X-Linked Classification Criteria (2023). Collection method: clinical testing. Allele origin: unknown.
Comment: NM_183050.2(BCKDHB):c.587dupA(H196Qfs*6) is expected to be pathogenic in the context of maple syrup urine disease type Ib. This variant is predicted to lead to an abnormal or absent protein product due to the creation of a premature termination codon in BCKDHB, a gene where loss-of-function variants are known to be pathogenic. Please note: this variant was assessed in the context of healthy population screening.

NM_183050.4(BCKDHB):c.587dup (p.His196fs)

Gene: BCKDHB (branched chain keto acid dehydrogenase E1 subunit beta; plus strand). Cytogenetic location: 6q14.1.
Variant type: Duplication.
Coding change: c.587dup on transcript NM_183050.4 (MANE Select); coding-DNA position 587, one base duplicated (A; older notation c.587dupA).
Protein change: p.His196fs; shifts the reading frame from histidine 196.
Molecular consequence: frameshift variant. On other transcripts: non-coding transcript variant (6).
Genome position (GRCh38, 1-based): chr6:80,168,984, A duplicated. VCF-style (leftmost placement, unchanged base first): chr6-80168983-C-CA. GRCh37 (hg19) VCF-style: chr6-80878700-C-CA.
Other names: c.587dup, p.His196fs (NM_000056.5, NM_001424035.1, NM_001424036.1 and 8 more transcripts); c.377dup, p.His126fs (NM_001318975.1, NM_001424043.1); short protein forms H126fs, H196fs.
Identifiers: ClinVar variation 5012876 (VCV005012876.1).